The following is an entry in ClinVar:

ClinVar aggregate classification (germline): Uncertain significance (1 of 4 stars; one submission).

Conditions:
Isolated microphthalmia 5. Also called: Posterior Microphthalmia with Retinitis Pigmentosa, Foveoschisis, and Optic Disc Drusen. Identifiers: Orphanet 251279, MedGen C1970236, MONDO:0012605, OMIM 611040.

Allele frequency attached by ClinVar (database versions not stated): gnomAD exomes 0.00001; TOPMed below 0.00001.
gnomAD v4.1: 10 of 1,613,118 alleles (0.00062%); highest among the groups gnomAD compares: Non-Finnish European, 0.00085%; no homozygotes.

Submission:

Labcorp Genetics (formerly Invitae), Labcorp
Classification: Uncertain significance for Isolated microphthalmia 5. Last evaluated: 2021-03-23. Review status: criteria provided, single submitter. Criteria: Invitae Variant Classification Sherloc (09022015). Collection method: clinical testing. Allele origin: germline.
Comment: In summary, the available evidence is currently insufficient to determine the role of this variant in disease. Therefore, it has been classified as a Variant of Uncertain Significance. Nucleotide substitutions within the consensus splice site are a relatively common cause of aberrant splicing (PMID: 17576681, 9536098). Algorithms developed to predict the effect of sequence changes on RNA splicing suggest that this variant is not likely to affect RNA splicing, but this prediction has not been confirmed by published transcriptional studies. This variant has not been reported in the literature in individuals with MFRP-related conditions. This variant is not present in population databases (ExAC no frequency). This sequence change falls in intron 10 of the MFRP gene. It does not directly change the encoded amino acid sequence of the MFRP protein. It affects a nucleotide within the consensus splice site of the intron.

Literature cited by the submitters: PubMed 17576681; PubMed 9536098.

NM_031433.4(MFRP):c.1255+4G>C

Genes: C1QTNF5 (C1q and TNF related 5; minus strand), MFRP (membrane frizzled-related protein; minus strand). Cytogenetic location: 11q23.3.
Variant type: single nucleotide variant.
Coding change: c.1255+4G>C on transcript NM_031433.4 (MANE Select); 4 bases into the intron after coding-DNA position 1255, G replaced by C.
Molecular consequence: intron variant.
Genome position (GRCh38, 1-based): chr11:119,342,869, C>G on the plus strand (G>C on the coding strand, the complement: MFRP is on the minus strand). VCF-style: chr11-119342869-C-G. GRCh37 (hg19) VCF-style: chr11-119213579-C-G.
Other names: c.-1382+4G>C (NM_015645.5).
Identifiers: ClinVar variation 1460773 (VCV001460773.5), dbSNP rs1565293337, ClinGen allele CA2003919920.